The following is an entry in ClinVar:

ClinVar aggregate classification (germline): Uncertain significance (1 of 4 stars; one submission).

Submission:

GeneDx
Classification: Uncertain significance. Last evaluated: 2017-06-05. Review status: criteria provided, single submitter. Criteria: GeneDx Variant Classification (06012015). Collection method: clinical testing. Allele origin: germline. Affected: yes.
Comment: The P32L variant has not been published as a pathogenic variant, nor has it been reported as a benign variant to our knowledge. The variant is not observed in large population cohorts (Lek et al., 2016; 1000 Genomes Consortium et al., 2015; Exome Variant Server). P32L is a semi-conservative amino acid substitution, which may impact secondary protein structure as these residues differ in some properties. This substitution occurs at a position that is conserved across species, and in silico analysis predicts this variant is probably damaging to the protein structure/function. In summary, based on the currently available information, it is unclear whether this variant is a pathogenic variant or a rare benign variant.

NM_001614.5(ACTG1):c.95C>T (p.Pro32Leu)

Genes: ACTG1 (actin gamma 1; minus strand), LOC130061940 (ATAC-STARR-seq lymphoblastoid active region 12964; plus strand). Cytogenetic location: 17q25.3.
Variant type: single nucleotide variant.
Coding change: c.95C>T on transcript NM_001614.5 (MANE Select); coding-DNA position 95, C replaced by T.
Protein change: p.Pro32Leu; replaces proline 32 with leucine.
Molecular consequence: missense variant. On other transcripts: non-coding transcript variant (1).
Genome position (GRCh38, 1-based): chr17:81,512,260, G>A on the plus strand (C>T on the coding strand, the complement: ACTG1 is on the minus strand). VCF-style: chr17-81512260-G-A. GRCh37 (hg19) VCF-style: chr17-79479286-G-A.
Other names: c.95C>T, p.Pro32Leu (NM_001199954.3); short protein forms P32L.
Identifiers: ClinVar variation 432553 (VCV000432553.2), dbSNP rs11549231, ClinGen allele CA401463575.